The following is an entry in ClinVar:

NM_001042492.3(NF1):c.5269-19C>A

Gene: NF1 (neurofibromin 1; plus strand). Cytogenetic location: 17q11.2.
Variant type: single nucleotide variant.
Coding change: c.5269-19C>A on transcript NM_001042492.3 (MANE Select); 19 bases into the intron before coding-DNA position 5269, C replaced by A.
Molecular consequence: intron variant.
Genome position (GRCh38, 1-based): chr17:31,327,480, C>A. VCF-style: chr17-31327480-C-A. GRCh37 (hg19) VCF-style: chr17-29654498-C-A.
Other names: c.5206-19C>A (NM_000267.4).
Identifiers: ClinVar variation 816732 (VCV000816732.7), dbSNP rs755620051, ClinGen allele CA915949811.

ClinVar aggregate classification (germline): Conflicting classifications of pathogenicity. Review status: criteria provided, conflicting classifications (1 of 4 stars). 4 submissions from 4 submitters: Pathogenic (1); Likely pathogenic (1); Uncertain significance (2). Last evaluated 2024-01-16.

Conditions:
Juvenile myelomonocytic leukemia (JMML). Also called: LEUKEMIA, JUVENILE MYELOMONOCYTIC, SOMATIC. Identifiers: Orphanet 86834, MedGen C0349639, MONDO:0011908, OMIM 607785, HP:0012209.
Neurofibromatosis, type 1 (NF1). Also called: VON RECKLINGHAUSEN DISEASE; Peripheral type neurofibromatosis; NEUROFIBROMATOSIS, TYPE I, SOMATIC; Neurofibromatosis, type I. Identifiers: Orphanet 636, MedGen C0027831, MONDO:0018975, OMIM 162200. Disease mechanism: loss of function.

Submissions (4):

Labcorp Genetics (formerly Invitae), Labcorp
Classification: Uncertain significance for Neurofibromatosis, type 1. Last evaluated: 2024-01-16. Review status: criteria provided, single submitter. Criteria: Invitae Variant Classification Sherloc (09022015). Collection method: clinical testing. Allele origin: germline.
Comment: This sequence change falls in intron 36 of the NF1 gene. It does not directly change the encoded amino acid sequence of the NF1 protein. This variant is not present in population databases (gnomAD no frequency). This variant has been observed in individual(s) with clinical features of NF1-related conditions (PMID: 32126153). ClinVar contains an entry for this variant (Variation ID: 816732). Studies have shown that this variant is associated with inconclusive levels of altered splicing (PMID: 32126153). In summary, the available evidence is currently insufficient to determine the role of this variant in disease. Therefore, it has been classified as a Variant of Uncertain Significance.

Baylor Genetics
Classification: Likely pathogenic for Juvenile myelomonocytic leukemia. Last evaluated: 2023-11-23. Review status: criteria provided, single submitter. Criteria: ACMG Guidelines, 2015. Collection method: clinical testing. Allele origin: unknown.

UAB Medical Genomics Laboratory, UAB Medicine
Classification: Pathogenic for Neurofibromatosis, type 1. Last evaluated: 2020-01-20. Review status: criteria provided, single submitter. Criteria: ACMG Guidelines, 2015. Collection method: clinical testing. Allele origin: germline. Affected: yes.

Blueprint Genetics
Classification: Uncertain significance. Last evaluated: 2019-09-17. Review status: criteria provided, single submitter. Criteria: ACMG Guidelines, 2015. Collection method: clinical testing. Allele origin: germline.

Literature cited by the submitters: PubMed 32126153 (cited by Labcorp Genetics (formerly Invitae), Labcorp and UAB Medical Genomics Laboratory, UAB Medicine).